The following is an entry in ClinVar:

ClinVar aggregate classification (germline): Uncertain significance (1 of 4 stars; one submission).

Conditions:
Hereditary spastic paraplegia 39 (SPG39). Also called: Spastic Paraplegia Type 39 (SPG39); SPASTIC PARAPLEGIA 39, AUTOSOMAL RECESSIVE. Identifiers: Orphanet 139480, MedGen C2677586, MONDO:0012787, OMIM 612020.

Submission:

Labcorp Genetics (formerly Invitae), Labcorp
Classification: Uncertain significance for Hereditary spastic paraplegia 39. Last evaluated: 2022-07-20. Review status: criteria provided, single submitter. Criteria: Invitae Variant Classification Sherloc (09022015). Collection method: clinical testing. Allele origin: germline.
Comment: This sequence change replaces glutamine, which is neutral and polar, with leucine, which is neutral and non-polar, at codon 449 of the PNPLA6 protein (p.Gln449Leu). This variant is not present in population databases (gnomAD no frequency). This variant has not been reported in the literature in individuals affected with PNPLA6-related conditions. ClinVar contains an entry for this variant (Variation ID: 1040265). Algorithms developed to predict the effect of missense changes on protein structure and function (SIFT, PolyPhen-2, Align-GVGD) all suggest that this variant is likely to be tolerated. In summary, the available evidence is currently insufficient to determine the role of this variant in disease. Therefore, it has been classified as a Variant of Uncertain Significance.

NM_001166114.2(PNPLA6):c.1463A>T (p.Gln488Leu)

Gene: PNPLA6 (patatin like domain 6, lysophospholipase; plus strand). Cytogenetic location: 19p13.2.
Variant type: single nucleotide variant.
Coding change: c.1463A>T on transcript NM_001166114.2 (MANE Select); coding-DNA position 1463, A replaced by T.
Protein change: p.Gln488Leu; replaces glutamine 488 with leucine.
Molecular consequence: missense variant.
Genome position (GRCh38, 1-based): chr19:7,542,861, A>T. VCF-style: chr19-7542861-A-T. GRCh37 (hg19) VCF-style: chr19-7607747-A-T.
Other names: c.1490A>T, p.Gln497Leu (NM_001166111.2); c.1346A>T, p.Gln449Leu (NM_001166112.2, NM_001166113.1, NM_006702.5); short protein forms Q488L, Q497L, Q449L.
Identifiers: ClinVar variation 1040265 (VCV001040265.7), dbSNP rs2023219350, ClinGen allele CA403113733.